The following is an entry in ClinVar:

ClinVar aggregate classification (germline): Likely benign. Review status: criteria provided, multiple submitters, no conflicts (2 of 4 stars). 2 submissions from 2 submitters: Likely benign (2). Last evaluated 2025-08-06.

Conditions:
Charcot-Marie-Tooth disease axonal type 2O. Also called: CHARCOT-MARIE-TOOTH NEUROPATHY, AXONAL, TYPE 2O; CHARCOT-MARIE-TOOTH DISEASE, AXONAL, AUTOSOMAL DOMINANT, TYPE 2O; Charcot-Marie-Tooth Neuropathy Type 2O; Charcot-Marie-Tooth disease, axonal, type 20. Identifiers: Orphanet 284232, MedGen C3280220, MONDO:0013644, OMIM 614228.

Allele frequency attached by ClinVar (database versions not stated): TOPMed 0.00001; ExAC 0.00002; gnomAD exomes 0.00002.

Submissions (2):

Labcorp Genetics (formerly Invitae), Labcorp
Classification: Likely benign for Charcot-Marie-Tooth disease axonal type 2O. Last evaluated: 2025-08-06. Review status: criteria provided, single submitter. Criteria: Invitae Variant Classification Sherloc (09022015). Collection method: clinical testing. Allele origin: germline.

CeGaT Center for Human Genetics Tuebingen
Classification: Likely benign. Last evaluated: 2024-06-01. Review status: criteria provided, single submitter. Criteria: CeGaT Center For Human Genetics Tuebingen Variant Classification Criteria Version 2. Collection method: clinical testing. Allele origin: germline. Affected: yes. Observed: 2 variant alleles.
Comment: DYNC1H1: BP4

NM_001376.5(DYNC1H1):c.13242G>A (p.Glu4414=)

Gene: DYNC1H1 (dynein cytoplasmic 1 heavy chain 1; plus strand). Cytogenetic location: 14q32.31.
Variant type: single nucleotide variant.
Coding change: c.13242G>A on transcript NM_001376.5 (MANE Select); coding-DNA position 13242, G replaced by A.
Protein change: p.Glu4414=; no amino-acid change (glutamic acid 4414 retained).
Molecular consequence: synonymous variant.
Genome position (GRCh38, 1-based): chr14:102,048,539, G>A. VCF-style: chr14-102048539-G-A. GRCh37 (hg19) VCF-style: chr14-102514876-G-A.
Identifiers: ClinVar variation 1588471 (VCV001588471.32), dbSNP rs772150327, ClinGen allele CA7354192.